The following is an entry in ClinVar:

NM_014795.4(ZEB2):c.59C>G (p.Pro20Arg)

Gene: ZEB2 (zinc finger E-box binding homeobox 2; minus strand). Cytogenetic location: 2q22.3.
Variant type: single nucleotide variant.
Coding change: c.59C>G on transcript NM_014795.4 (MANE Select); coding-DNA position 59, C replaced by G.
Protein change: p.Pro20Arg; replaces proline 20 with arginine.
Molecular consequence: missense variant. On other transcripts: non-coding transcript variant (1).
Genome position (GRCh38, 1-based): chr2:144,517,292, G>C on the plus strand (C>G on the coding strand, the complement: ZEB2 is on the minus strand). VCF-style: chr2-144517292-G-C. GRCh37 (hg19) VCF-style: chr2-145274859-G-C.
Other names: c.59C>G, p.Pro20Arg (NM_001171653.2); short protein forms P20R.
Identifiers: ClinVar variation 4527050 (VCV004527050.1).

ClinVar aggregate classification (germline): Pathogenic (1 of 4 stars; one submission).

Submission:

GeneDx
Classification: Pathogenic. Last evaluated: 2025-05-06. Review status: criteria provided, single submitter. Criteria: GeneDx Variant Classification Process June 2021. Collection method: clinical testing. Allele origin: germline. Affected: yes.
Comment: Not observed at significant frequency in large population cohorts (gnomAD); In silico analysis supports that this missense variant has a deleterious effect on protein structure/function; Has not been previously published as pathogenic or benign to our knowledge